The following is an entry in ClinVar:

ClinVar aggregate classification (germline): Uncertain significance (1 of 4 stars; one submission).

Submission:

GeneDx
Classification: Uncertain significance. Last evaluated: 2022-04-08. Review status: criteria provided, single submitter. Criteria: GeneDx Variant Classification Process June 2021. Collection method: clinical testing. Allele origin: germline. Affected: yes.
Comment: Not observed at significant frequency in large population cohorts (gnomAD); In silico analysis supports that this missense variant does not alter protein structure/function; Has not been previously published as pathogenic or benign to our knowledge; Occurs in the triple helical domain at the X position in the canonical Gly-X-Y repeat; although this variant may have an effect on normal protein folding and function, missense substitution at the X position is not a common mechanism of disease

NM_000092.5(COL4A4):c.4372T>C (p.Phe1458Leu)

Gene: COL4A4 (collagen type IV alpha 4 chain; minus strand). Cytogenetic location: 2q36.3.
Variant type: single nucleotide variant.
Coding change: c.4372T>C on transcript NM_000092.5 (MANE Select); coding-DNA position 4372, T replaced by C.
Protein change: p.Phe1458Leu; replaces phenylalanine 1458 with leucine.
Molecular consequence: missense variant.
Genome position (GRCh38, 1-based): chr2:227,010,463, A>G on the plus strand (T>C on the coding strand, the complement: COL4A4 is on the minus strand). VCF-style: chr2-227010463-A-G. GRCh37 (hg19) VCF-style: chr2-227875179-A-G.
Other names: short protein forms F1458L.
Identifiers: ClinVar variation 1708589 (VCV001708589.2), dbSNP rs1189137447, ClinGen allele CA350836289.